The following is an entry in ClinVar:

NM_001165963.4(SCN1A):c.3706G>C (p.Ala1236Pro)

Genes: SCN1A (sodium voltage-gated channel alpha subunit 1; minus strand), LOC102724058 (uncharacterized LOC102724058; plus strand). Cytogenetic location: 2q24.3.
Variant type: single nucleotide variant.
Coding change: c.3706G>C on transcript NM_001165963.4 (MANE Select); coding-DNA position 3706, G replaced by C.
Protein change: p.Ala1236Pro; replaces alanine 1236 with proline.
Molecular consequence: missense variant. On other transcripts: non-coding transcript variant (1).
Genome position (GRCh38, 1-based): chr2:166,012,282, C>G on the plus strand (G>C on the coding strand, the complement: SCN1A is on the minus strand). VCF-style: chr2-166012282-C-G. GRCh37 (hg19) VCF-style: chr2-166868792-C-G.
Other names: c.3622G>C, p.Ala1208Pro (NM_001165964.3, NM_001353957.2, NM_001353958.2); c.3706G>C, p.Ala1236Pro (NM_001202435.3, NM_001353948.2); c.3673G>C, p.Ala1225Pro (NM_001353949.2, NM_001353950.2, NM_001353951.2 and 2 more transcripts); c.3670G>C, p.Ala1224Pro (NM_001353954.2, NM_001353955.2); c.3619G>C, p.Ala1207Pro (NM_001353960.2); c.1264G>C, p.Ala422Pro (NM_001353961.2); short protein forms A1225P, A1236P, A1208P, A1224P, A1207P, A422P.
Identifiers: ClinVar variation 189933 (VCV000189933.3), dbSNP rs794726770, ClinGen allele CA303346.

ClinVar aggregate classification (germline): Pathogenic/Likely pathogenic. Review status: criteria provided, multiple submitters, no conflicts (2 of 4 stars). 3 submissions from 2 submitters: Pathogenic (2); Likely pathogenic (1). Last evaluated 2020-08-03.

Conditions:
Severe myoclonic epilepsy in infancy (DRVT). Also called: Dravet syndrome; Epileptic encephalopathy, early infantile, 6 (Dravet syndrome); DEVELOPMENTAL AND EPILEPTIC ENCEPHALOPATHY 6A; Severe Myoclonic Epilepsy in Infancy (SMEI); SEVERE MYOCLONIC EPILEPSY OF INFANCY. Identifiers: Orphanet 33069, MedGen C0751122, MONDO:0100135, OMIM 607208.
Intellectual disability. Also called: Intellectual functioning disability; intellectual disabilities; Intellectual developmental disorder. Identifiers: MedGen C3714756, MeSH D008607, MONDO:0001071, HP:0001249.

Submissions (3):

Institute of Human Genetics, University of Leipzig Medical Center
Classification: Likely pathogenic for Intellectual disability. Last evaluated: 2020-08-03. Review status: criteria provided, single submitter. Criteria: ACMG Guidelines, 2015. Collection method: clinical testing. Allele origin: de novo. Affected: yes.

Institute of Human Genetics, University of Leipzig Medical Center
Classification: Pathogenic for Severe myoclonic epilepsy in infancy. Last evaluated: 2018-12-12. Review status: criteria provided, single submitter. Criteria: ACMG Guidelines, 2015. Collection method: clinical testing. Allele origin: germline. Affected: yes. Observed: 1 variant allele.

Center for Bioinformatics, Peking University
Classification: Pathogenic for Dravet syndrome. Last evaluated: 2014-12-20. Review status: criteria provided, single submitter. Criteria: Xu et al. (Hum Mutat. 2015). Collection method: research. Allele origin: de novo. Affected: yes. Observed: 1 variant allele. Study: University Clinical Cooperation “985 Project” PKU-2014-1-1.
Comment: Dravet syndrome (DS) probands were recruited from the outpatient and inpatient child neurology units of Peking University First Hospital from 2005 till present. The study was approved by the Ethics Committee of Peking University First Hospital and the Institutional Review Board at Peking University. Participants or their parents provided written informed consent before enrollment. We collected a total of 267 mutations from 255 families with probands diagnosed with DS in China. All probands fulfilled the clinical diagnostic criteria.